The following is an entry in ClinVar:

ClinVar aggregate classification (germline): Uncertain significance (1 of 4 stars; one submission).

Conditions:
Hereditary cancer-predisposing syndrome. Also called: Tumor predisposition; Hereditary Cancer Syndrome; Hereditary neoplastic syndrome; Neoplastic Syndromes, Hereditary. Identifiers: Orphanet 140162, MedGen C0027672, MeSH D009386, MONDO:0015356.

Submission:

Ambry Genetics
Classification: Uncertain significance for Hereditary cancer-predisposing syndrome. Last evaluated: 2023-09-01. Review status: criteria provided, single submitter. Criteria: Ambry Variant Classification Scheme 2023. Collection method: clinical testing. Allele origin: germline.
Comment: The p.N1241H variant (also known as c.3721A>C), located in coding exon 19 of the BRIP1 gene, results from an A to C substitution at nucleotide position 3721. The asparagine at codon 1241 is replaced by histidine, an amino acid with similar properties. This amino acid position is conserved. In addition, this alteration is predicted to be tolerated by in silico analysis. Since supporting evidence is limited at this time, the clinical significance of this alteration remains unclear.

NM_032043.3(BRIP1):c.3721A>C (p.Asn1241His)

Gene: BRIP1 (BRCA1 interacting DNA helicase 1; minus strand). Cytogenetic location: 17q23.2.
Variant type: single nucleotide variant.
Coding change: c.3721A>C on transcript NM_032043.3 (MANE Select); coding-DNA position 3721, A replaced by C.
Protein change: p.Asn1241His; replaces asparagine 1241 with histidine.
Molecular consequence: missense variant.
Genome position (GRCh38, 1-based): chr17:61,683,325, T>G on the plus strand (A>C on the coding strand, the complement: BRIP1 is on the minus strand). VCF-style: chr17-61683325-T-G. GRCh37 (hg19) VCF-style: chr17-59760686-T-G.
Other names: short protein forms N1241H.
Identifiers: ClinVar variation 2626399 (VCV002626399.2), dbSNP rs2544551709, ClinGen allele CA400477752.
Genomic context (GRCh38, chr17:61,683,325, plus strand): 5'-TATTTTTACTTAGCTTGAGAGTTAAGTATTATTACTTAAAACCAGGAAACATGCCTTTAT[T>G]TTTGGAAGGAGATGGTTTAAAGTTCTTTATTTCTATTTCATGAGTTTTTCCCAGTTCCAG-3'
Protein context (NP_114432.2, residues 1231-1249): IKNFKPSPSK[Asn1241His]KGMFPGFK